The following is an entry in ClinVar:

ClinVar aggregate classification (germline): Uncertain significance. Review status: criteria provided, multiple submitters, no conflicts (2 of 4 stars). 2 submissions from 2 submitters: Uncertain significance (2). Last evaluated 2024-01-09.

Conditions:
Nephronophthisis. Also called: Juvenile Nephronophthisis. Identifiers: Orphanet 655, MedGen C0687120, MONDO:0019005, HP:0000090.
NPHP3-related Meckel-like syndrome. Also called: Meckel syndrome type 7; GOLDSTON SYNDROME. Identifiers: Orphanet 3032, MedGen C2673885, MONDO:0009966, OMIM 267010.
Nephronophthisis 3 (NPHP3). Also called: Adolescent nephronophthisis. Identifiers: Orphanet 655, MedGen C1858392, MONDO:0011456, OMIM 604387.
Renal-hepatic-pancreatic dysplasia 1 (RHPD1). Identifiers: MedGen C3715199, MONDO:0008833, OMIM 208540.

Submissions (2):

Fulgent Genetics
Classification: Uncertain significance for Renal-hepatic-pancreatic dysplasia 1; NPHP3-related Meckel-like syndrome; Nephronophthisis 3. Last evaluated: 2024-01-09. Review status: criteria provided, single submitter. Criteria: ACMG Guidelines, 2015. Collection method: clinical testing. Allele origin: germline.

Labcorp Genetics (formerly Invitae), Labcorp
Classification: Uncertain significance for Nephronophthisis. Last evaluated: 2022-08-08. Review status: criteria provided, single submitter. Criteria: Invitae Variant Classification Sherloc (09022015). Collection method: clinical testing. Allele origin: germline.
Comment: This variant, c.3707_3709del, results in the deletion of 1 amino acid(s) of the NPHP3 protein (p.Val1236del), but otherwise preserves the integrity of the reading frame. This variant is present in population databases (rs760125319, gnomAD 0.01%). This variant has not been reported in the literature in individuals affected with NPHP3-related conditions. Experimental studies and prediction algorithms are not available or were not evaluated, and the functional significance of this variant is currently unknown. In summary, the available evidence is currently insufficient to determine the role of this variant in disease. Therefore, it has been classified as a Variant of Uncertain Significance.

NM_153240.5(NPHP3):c.3707_3709del (p.Val1236del)

Genes: NPHP3-ACAD11 (NPHP3-ACAD11 readthrough (NMD candidate); minus strand), NPHP3 (nephrocystin 3; minus strand). Cytogenetic location: 3q22.1.
Variant type: Deletion.
Coding change: c.3707_3709del on transcript NM_153240.5 (MANE Select); coding-DNA positions 3707 to 3709, 3 bases deleted (TTG; older notation c.3707_3709delTTG).
Protein change: p.Val1236del; deletes valine 1236.
Molecular consequence: inframe deletion. On other transcripts: non-coding transcript variant (1).
Genome position (GRCh38, 1-based): chr3:132,682,806-132,682,808, CAA deleted on the plus strand (TTG on the coding strand, the reverse complement: NPHP3 is on the minus strand); deleting any 3 consecutive bases within chr3:132,682,806-132,682,809 gives the same sequence; the c. name uses the placement nearest the transcript's 3' end. VCF-style (leftmost placement, unchanged base first): chr3-132682805-TCAA-T. GRCh37 (hg19) VCF-style: chr3-132401649-TCAA-T.
Other names: short protein forms V1236del.
Identifiers: ClinVar variation 2057027 (VCV002057027.2), dbSNP rs760125319, ClinGen allele CA2621660.